The following is an entry in ClinVar:

ClinVar aggregate classification (germline): Pathogenic. Review status: criteria provided, multiple submitters, no conflicts (2 of 4 stars). 2 submissions from 2 submitters: Pathogenic (2). Last evaluated 2026-04-14.

Conditions:
Benign recurrent intrahepatic cholestasis type 1. Also called: SUMMERSKILL SYNDROME; Mild-to-Moderate ATP8B1 Deficiency (Benign Recurrent Intrahepatic Cholestasis 1 [BRIC1]). Identifiers: Orphanet 65682, Orphanet 99960, MedGen C4551899, MONDO:0009469, OMIM 243300.
Familial intrahepatic cholestasis. Identifiers: Orphanet 284385, MedGen CN296401, MONDO:0017290.

Submissions (2):

Genomenon, Inc
Classification: Pathogenic for Familial intrahepatic cholestasis. Last evaluated: 2026-04-14. Review status: criteria provided, single submitter. Criteria: Genomenon Sequence Variant Interpretation Standards - Updated. Collection method: curation. Allele origin: germline. Affected: yes.
Comment: ATP8B1 p.Tyr405CysfsTer24 (c.1214_1215del) is a frameshift variant that results in the production of a truncated protein which is predicted to undergo nonsense-mediated mRNA decay. This variant has been observed in at least one proband with features of ATP8B1-deficiency (PMID:36553407). The variant was found to segregate with disease in at least one affected family (PMID:36553407). It is absent or not present at a significant frequency in gnomAD. In conclusion, we classify ATP8B1 p.Tyr405CysfsTer24 (c.1214_1215del) as a pathogenic variant.

Baylor Genetics
Classification: Pathogenic for Benign recurrent intrahepatic cholestasis type 1. Last evaluated: 2023-05-13. Review status: criteria provided, single submitter. Criteria: ACMG Guidelines, 2015. Collection method: clinical testing. Allele origin: unknown.

Literature cited by the submitters: PubMed 36553407 (cited by Genomenon, Inc).

NM_001374385.1(ATP8B1):c.1214_1215del (p.Tyr405fs)

Gene: ATP8B1 (ATPase phospholipid transporting 8B1; minus strand). Cytogenetic location: 18q21.31.
Variant type: Deletion.
Coding change: c.1214_1215del on transcript NM_001374385.1 (MANE Select); coding-DNA positions 1214 to 1215, 2 bases deleted (AT; older notation c.1214_1215delAT).
Protein change: p.Tyr405fs; shifts the reading frame from tyrosine 405.
Molecular consequence: frameshift variant.
Genome position (GRCh38, 1-based): chr18:57,691,812-57,691,813, AT deleted on the plus strand (AT on the coding strand, the reverse complement: ATP8B1 is on the minus strand); deleting any 2 consecutive bases within chr18:57,691,812-57,691,814 gives the same sequence; the c. name uses the placement nearest the transcript's 3' end. VCF-style (leftmost placement, unchanged base first): chr18-57691811-CAT-C. GRCh37 (hg19) VCF-style: chr18-55359043-CAT-C.
Other names: c.1064_1065del, p.Tyr355fs (NM_001374386.1); c.1214_1215del, p.Tyr405fs (NM_005603.6); short protein forms Y355fs, Y405fs.
Identifiers: ClinVar variation 2679853 (VCV002679853.2), dbSNP rs2511756942, ClinGen allele CA2576512521.